The following is an entry in ClinVar:

NM_000384.3(APOB):c.9632A>C (p.Asn3211Thr)

Gene: APOB (apolipoprotein B; minus strand). Cytogenetic location: 2p24.1.
Variant type: single nucleotide variant.
Coding change: c.9632A>C on transcript NM_000384.3 (MANE Select); coding-DNA position 9632, A replaced by C.
Protein change: p.Asn3211Thr; replaces asparagine 3211 with threonine.
Molecular consequence: missense variant.
Genome position (GRCh38, 1-based): chr2:21,007,236, T>G on the plus strand (A>C on the coding strand, the complement: APOB is on the minus strand). VCF-style: chr2-21007236-T-G. GRCh37 (hg19) VCF-style: chr2-21230108-T-G.
Other names: short protein forms N3211T.
Identifiers: ClinVar variation 2681987 (VCV002681987.1), dbSNP rs768051007, ClinGen allele CA345989327.
Genomic context (GRCh38, chr2:21,007,236, plus strand): 5'-TCAAACTTAATTTTTGTTTCATTATAGGATTTGGTGACAAAATCTAATGCATTGTTTCTG[T>G]TTTTTTCAAAATGCCTGTCAAAGGATTTGATGCTCTGACTGATAAACTCACAAAGCACAG-3'
Protein context (NP_000375.3, residues 3201-3221): IKSFDRHFEK[Asn3211Thr]RNNALDFVTK

ClinVar aggregate classification (germline): Uncertain significance (1 of 4 stars; one submission).

gnomAD v4.1: 4 of 1,613,342 alleles (0.00025%); highest among the groups gnomAD compares: Non-Finnish European, 0.00034%; no homozygotes.

Submission:

Quest Diagnostics Nichols Institute San Juan Capistrano
Classification: Uncertain significance. Last evaluated: 2023-01-11. Review status: criteria provided, single submitter. Criteria: Quest Diagnostics criteria. Collection method: clinical testing. Allele origin: unknown.
Comment: to the best of our knowledge, the variant has not been reported in the published literature. It also has not been reported in large, multi-ethnic general populations. Analysis of this variant using bioinformatics tools for the prediction of the effect of amino acid changes on protein structure and function yielded predictions that this variant is benign. Based on the available information, we are unable to determine the clinical significance of this variant.